The following is an entry in ClinVar:

ClinVar aggregate classification (germline): Uncertain significance (1 of 4 stars; one submission).

gnomAD v4.1: 3 of 1,550,208 alleles (0.00019%); highest among the groups gnomAD compares: African/African-American, 0.0014%; no homozygotes.

Submission:

Women's Health and Genetics/Laboratory Corporation of America, LabCorp
Classification: Uncertain significance. Last evaluated: 2025-12-29. Review status: criteria provided, single submitter. Criteria: LabCorp Variant Classification Summary - May 2015. Collection method: clinical testing. Allele origin: germline.
Comment: Variant summary: ZNF469 c.6797G>A (p.Gly2266Asp) results in a non-conservative amino acid change in the encoded protein sequence. Algorithms developed to predict the effect of missense changes on protein structure and function are either unavailable or do not agree on the potential impact of this missense change. The frequency data for this variant in gnomAD is considered unreliable, as metrics indicate poor data quality at this position. To our knowledge, no occurrence of c.6797G>A in individuals affected with ZNF469-related conditions and no experimental evidence demonstrating its impact on protein function have been reported. No submitters have cited clinical-significance assessments for this variant to ClinVar. Based on the evidence outlined above, the variant was classified as uncertain significance.

NM_001367624.2(ZNF469):c.6797G>A (p.Gly2266Asp)

Gene: ZNF469 (zinc finger protein 469; plus strand). Cytogenetic location: 16q24.2.
Variant type: single nucleotide variant.
Coding change: c.6797G>A on transcript NM_001367624.2 (MANE Select); coding-DNA position 6797, G replaced by A.
Protein change: p.Gly2266Asp; replaces glycine 2266 with aspartic acid.
Molecular consequence: missense variant.
Genome position (GRCh38, 1-based): chr16:88,434,267, G>A. VCF-style: chr16-88434267-G-A. GRCh37 (hg19) VCF-style: chr16-88500675-G-A.
Other names: short protein forms G2266D.
Identifiers: ClinVar variation 4688751 (VCV004688751.1).
Genomic context (GRCh38, chr16:88,434,267, plus strand): 5'-AAGACAGCACTTTAAGAATTCCAGAGGATTCCAGAAAAGAGAAGCTGTGGGAGTCTCCTG[G>A]CCGAGCCACCTCTCCTCCTCTGGCAGGGGCCGTCTCCCCCAGCGTGGCCGTCAGGGCTAC-3'
Protein context (NP_001354553.1, residues 2256-2276): SRKEKLWESP[Gly2266Asp]RATSPPLAGA